The following is an entry in ClinVar:

NM_181836.6(TMED7):c.31G>A (p.Ala11Thr)

Genes: TMED7 (transmembrane p24 trafficking protein 7; minus strand), TMED7-TICAM2 (TMED7-TICAM2 readthrough; minus strand). Cytogenetic location: 5q22.3.
Variant type: single nucleotide variant.
Coding change: c.31G>A on transcript NM_181836.6 (MANE Select); coding-DNA position 31, G replaced by A.
Protein change: p.Ala11Thr; replaces alanine 11 with threonine.
Molecular consequence: missense variant.
Genome position (GRCh38, 1-based): chr5:115,625,762, C>T on the plus strand (G>A on the coding strand, the complement: TMED7 is on the minus strand). VCF-style: chr5-115625762-C-T. GRCh37 (hg19) VCF-style: chr5-114961459-C-T.
Other names: c.31G>A, p.Ala11Thr (NM_001164468.4, NM_001164469.4); short protein forms A11T.
Identifiers: ClinVar variation 2786038 (VCV002786038.3), dbSNP rs1483790387, ClinGen allele CA360714432.

ClinVar aggregate classification (germline): Uncertain significance (1 of 4 stars; one submission).

Allele frequency attached by ClinVar (database versions not stated): gnomAD exomes below 0.00001.
gnomAD v4.1: 6 of 1,521,188 alleles (0.00039%); highest among the groups gnomAD compares: Non-Finnish European, 0.00053%; no homozygotes.

Submission:

Labcorp Genetics (formerly Invitae), Labcorp
Classification: Uncertain significance. Last evaluated: 2023-06-14. Review status: criteria provided, single submitter. Criteria: Invitae Variant Classification Sherloc (09022015). Collection method: clinical testing. Allele origin: germline.
Comment: An algorithm developed to predict the effect of missense changes on protein structure and function (PolyPhen-2) suggests that this variant is likely to be tolerated. In summary, the available evidence is currently insufficient to determine the role of this variant in disease. Therefore, it has been classified as a Variant of Uncertain Significance. This variant has not been reported in the literature in individuals affected with TMED7-related conditions. This sequence change replaces alanine, which is neutral and non-polar, with threonine, which is neutral and polar, at codon 11 of the TMED7 protein (p.Ala11Thr). This variant is not present in population databases (gnomAD no frequency).